The following is an entry in ClinVar:

ClinVar aggregate classification (germline): Likely benign (1 of 4 stars; one submission).

Submission:

CeGaT Center for Human Genetics Tuebingen
Classification: Likely benign. Last evaluated: 2024-03-01. Review status: criteria provided, single submitter. Criteria: CeGaT Center For Human Genetics Tuebingen Variant Classification Criteria Version 2. Collection method: clinical testing. Allele origin: germline. Affected: yes. Observed: 1 variant allele.
Comment: SUSD5: PM2:Supporting, BP4, BP7

NM_015551.2(SUSD5):c.723T>A (p.Ser241=)

Genes: SUSD5 (sushi domain containing 5; minus strand), LOC126806648 (CDK7 strongly-dependent group 2 enhancer GRCh37_chr3:33194307-33195506; plus strand). Cytogenetic location: 3p22.3.
Variant type: single nucleotide variant.
Coding change: c.723T>A on transcript NM_015551.2 (MANE Select); coding-DNA position 723, T replaced by A.
Protein change: p.Ser241=; no amino-acid change (serine 241 retained).
Molecular consequence: synonymous variant.
Genome position (GRCh38, 1-based): chr3:33,153,909, A>T on the plus strand (T>A on the coding strand, the complement: SUSD5 is on the minus strand). VCF-style: chr3-33153909-A-T. GRCh37 (hg19) VCF-style: chr3-33195401-A-T.
Identifiers: ClinVar variation 3234363 (VCV003234363.20), dbSNP rs2030985296, ClinGen allele CA433064303.